The following is an entry in ClinVar:

ClinVar aggregate classification (germline): Uncertain significance (1 of 4 stars; one submission).

Submission:

Labcorp Genetics (formerly Invitae), Labcorp
Classification: Uncertain significance. Last evaluated: 2022-07-24. Review status: criteria provided, single submitter. Criteria: Invitae Variant Classification Sherloc (09022015). Collection method: clinical testing. Allele origin: germline.
Comment: Experimental studies and prediction algorithms are not available or were not evaluated, and the functional significance of this variant is currently unknown. This variant results in a copy number gain of the genomic region encompassing exon(s) 10-21 of the CFH gene. While the exact position of this variant cannot be determined from the data, sub-genic copy number gains are generally in tandem (PMID: 25640679). This variant is predicted to be in-frame, and likely preserves the integrity of the reading frame. This variant has not been reported in the literature in individuals affected with CFH-related conditions. In summary, the available evidence is currently insufficient to determine the role of this variant in disease. Therefore, it has been classified as a Variant of Uncertain Significance.

Literature cited by the submitters: PubMed 25640679.

NC_000001.10:g.(?_196682845)_(196715149_?)dup

Gene: CFH (complement factor H; plus strand). Cytogenetic location: 1q31.3.
Variant type: Duplication.
Identifiers: ClinVar variation 2422551 (VCV002422551.3).